The following is an entry in ClinVar:

ClinVar aggregate classification (germline): Pathogenic (1 of 4 stars; one submission).

Conditions:
Leber congenital amaurosis 8 (LCA8). Identifiers: Orphanet 65, MedGen C3151202, MONDO:0013453, OMIM 613835.
Retinitis pigmentosa 12 (RP12). Also called: RP WITH OR WITHOUT PRESERVED PARAARTERIOLE RETINAL PIGMENT EPITHELIUM; RETINITIS PIGMENTOSA WITH OR WITHOUT PARAARTERIOLAR PRESERVATION OF RETINAL PIGMENT EPITHELIUM; RP WITH OR WITHOUT PPRPE. Identifiers: Orphanet 791, MedGen C1838647, MONDO:0010818, OMIM 600105.

Submission:

Labcorp Genetics (formerly Invitae), Labcorp
Classification: Pathogenic for Leber congenital amaurosis 8; Retinitis pigmentosa 12. Last evaluated: 2022-06-14. Review status: criteria provided, single submitter. Criteria: Invitae Variant Classification Sherloc (09022015). Collection method: clinical testing. Allele origin: germline.
Comment: For these reasons, this variant has been classified as Pathogenic. This variant has not been reported in the literature in individuals affected with CRB1-related conditions. This variant is not present in population databases (gnomAD no frequency). This sequence change creates a premature translational stop signal (p.Leu962*) in the CRB1 gene. It is expected to result in an absent or disrupted protein product. Loss-of-function variants in CRB1 are known to be pathogenic (PMID: 10508521, 22065545, 23379534, 25412400, 26957898, 28041643, 29391521).

Literature cited by the submitters: PubMed 10508521; PubMed 22065545; PubMed 23379534; PubMed 25412400; PubMed 26957898; PubMed 28041643; PubMed 29391521.

NM_201253.3(CRB1):c.2885T>A (p.Leu962Ter)

Gene: CRB1 (crumbs cell polarity complex component 1; plus strand). Cytogenetic location: 1q31.3.
Variant type: single nucleotide variant.
Coding change: c.2885T>A on transcript NM_201253.3 (MANE Select); coding-DNA position 2885, T replaced by A.
Protein change: p.Leu962Ter; replaces leucine 962 with a stop codon.
Molecular consequence: nonsense. On other transcripts: non-coding transcript variant (2), intron variant (1).
Genome position (GRCh38, 1-based): chr1:197,434,748, T>A. VCF-style: chr1-197434748-T-A. GRCh37 (hg19) VCF-style: chr1-197403878-T-A.
Other names: c.2549T>A, p.Leu850Ter (NM_001193640.2); c.2813T>A, p.Leu938Ter (NM_001257965.2); c.2129-852T>A (NM_001257966.2); short protein forms L850*, L938*, L962*.
Identifiers: ClinVar variation 1957393 (VCV001957393.5), dbSNP rs2528195914, ClinGen allele CA344043230.